The following is an entry in ClinVar:

ClinVar aggregate classification (germline): Uncertain significance (1 of 4 stars; one submission).

Conditions:
Tuberous sclerosis 2 (TSC2). Identifiers: Orphanet 805, MedGen C1860707, MONDO:0013199, OMIM 613254.

Submission:

Labcorp Genetics (formerly Invitae), Labcorp
Classification: Uncertain significance for Tuberous sclerosis 2. Last evaluated: 2019-11-07. Review status: criteria provided, single submitter. Criteria: Invitae Variant Classification Sherloc (09022015). Collection method: clinical testing. Allele origin: germline.
Comment: This sequence change replaces asparagine with lysine at codon 877 of the TSC2 protein (p.Asn877Lys). The asparagine residue is highly conserved and there is a moderate physicochemical difference between asparagine and lysine. In summary, the available evidence is currently insufficient to determine the role of this variant in disease. Therefore, it has been classified as a Variant of Uncertain Significance. Algorithms developed to predict the effect of sequence changes on RNA splicing suggest that this variant may create or strengthen a splice site, but this prediction has not been confirmed by published transcriptional studies. Algorithms developed to predict the effect of missense changes on protein structure and function are either unavailable or do not agree on the potential impact of this missense change (SIFT: "Tolerated"; PolyPhen-2: "Possibly Damaging"; Align-GVGD: "Class C0"). This variant has not been reported in the literature in individuals with TSC2-related conditions. This variant is not present in population databases (ExAC no frequency).

NM_000548.5(TSC2):c.2631C>G (p.Asn877Lys)

Gene: TSC2 (TSC complex subunit 2; plus strand). Cytogenetic location: 16p13.3.
Variant type: single nucleotide variant.
Coding change: c.2631C>G on transcript NM_000548.5 (MANE Select); coding-DNA position 2631, C replaced by G.
Protein change: p.Asn877Lys; replaces asparagine 877 with lysine.
Molecular consequence: missense variant.
Genome position (GRCh38, 1-based): chr16:2,075,884, C>G. VCF-style: chr16-2075884-C-G. GRCh37 (hg19) VCF-style: chr16-2125885-C-G.
Other names: c.2631C>G, p.Asn877Lys (NM_001077183.3, NM_001114382.3, NM_001363528.2 and 3 more transcripts); c.2520C>G, p.Asn840Lys (NM_001318827.2); c.2484C>G, p.Asn828Lys (NM_001318829.2); c.2031C>G, p.Asn677Lys (NM_001318831.2); c.2664C>G, p.Asn888Lys (NM_001318832.2); short protein forms N888K, N828K, N840K, N677K, N877K.
Identifiers: ClinVar variation 964437 (VCV000964437.9), dbSNP rs45517251, ClinGen allele CA394278473.